The following is an entry in ClinVar:

NM_001110556.2(FLNA):c.3845C>T (p.Ala1282Val)

Gene: FLNA (filamin A; minus strand). Cytogenetic location: Xq28.
Variant type: single nucleotide variant.
Coding change: c.3845C>T on transcript NM_001110556.2 (MANE Select); coding-DNA position 3845, C replaced by T.
Protein change: p.Ala1282Val; replaces alanine 1282 with valine.
Molecular consequence: missense variant.
Genome position (GRCh38, 1-based): chrX:154,359,866, G>A on the plus strand (C>T on the coding strand, the complement: FLNA is on the minus strand). VCF-style: chrX-154359866-G-A. GRCh37 (hg19) VCF-style: chrX-153588234-G-A.
Other names: c.3845C>T, p.Ala1282Val (NM_001456.4); short protein forms A1282V.
Identifiers: ClinVar variation 4819043 (VCV004819043.1).

ClinVar aggregate classification (germline): Uncertain significance (1 of 4 stars; one submission).

Conditions:
Otopalatodigital syndrome. Identifiers: MedGen C5779873, MONDO:0019027.

Submission:

Victorian Clinical Genetics Services, Murdoch Childrens Research Institute
Classification: Uncertain significance for Otopalatodigital syndrome. Last evaluated: 2025-12-02. Review status: criteria provided, single submitter. Criteria: ACMG Guidelines, 2015. Collection method: clinical testing. Allele origin: germline. Affected: yes.
Comment: This variant is classified as VUS-3A. Evidence in support of pathogenic classification: Variant is absent from gnomAD (v2, v3 and v4); Missense variant predicted to be damaging by in silico tool(s) or highly conserved with a major amino acid change. Additional information: Variant is predicted to result in a missense amino acid change from Ala to Val; This variant is hemizygous; This gene is associated with both X-linked recessive and dominant disease. Males are typically more severely affected than females (OMIM); Alternative amino acid change(s) at the same position are present in gnomAD (v4: 1 heterozygote(s), 0 homozygote(s), 0 hemizygote(s)); This variant has no previous evidence of pathogenicity; No published evidence of segregation with disease has been identified for this variant; No published functional evidence has been identified for this variant; No comparable missense variants have previous evidence for pathogenicity; Variant is located in the annotated filamin 11 repeat domain (DECIPHER, UniProt); Loss of function and gain of function are known mechanisms of disease in this gene. Loss of function variants are reported to cause periventricular nodular heterotopia, X-linked cardiac valvular dystrophy and gastrointestinal diseases. Gain of function variants lead to the otopalatodigital spectrum of disease. Missense variants which cluster in the CH2 domain and filamin repeats 9-11 and 14-16 have been reported in individuals with otopalatodigital spectrum of disease (PMID: 30089473).

Literature cited by the submitters: PubMed 30089473.